The following is an entry in ClinVar:

NC_000001.11:g.114695560C>T

Gene: AMPD1 (adenosine monophosphate deaminase 1; minus strand). Cytogenetic location: 1p13.2.
Variant type: single nucleotide variant.
Genome position: GRCh38 VCF-style: chr1-114695560-C-T. GRCh37 (hg19) VCF-style: chr1-115238181-C-T.
Identifiers: ClinVar variation 2187544 (VCV002187544.4), dbSNP rs2526409499, ClinGen allele CA341736588.

ClinVar aggregate classification (germline): Uncertain significance (1 of 4 stars; one submission).

Conditions:
Muscle AMP deaminase deficiency (MMDD). Also called: Myoadenylate deaminase deficiency, myopathy due to; Adenosine monophosphate deaminase 1 deficiency; AMP deaminase 1 deficiency; Adenosine Monophosphate Deaminase 1; AMPD1 DEFICIENCY; ADENOSINE MONOPHOSPHATE DEAMINASE-1 DEFICIENCY, MYOPATHY DUE TO. Identifiers: Orphanet 45, MedGen C3714933, MONDO:0014220, OMIM 615511.

Submission:

Labcorp Genetics (formerly Invitae), Labcorp
Classification: Uncertain significance for Muscle AMP deaminase deficiency. Last evaluated: 2022-04-13. Review status: criteria provided, single submitter. Criteria: Invitae Variant Classification Sherloc (09022015). Collection method: clinical testing. Allele origin: germline.
Comment: In summary, the available evidence is currently insufficient to determine the role of this variant in disease. Therefore, it has been classified as a Variant of Uncertain Significance. Algorithms developed to predict the effect of missense changes on protein structure and function (SIFT, PolyPhen-2, Align-GVGD) all suggest that this variant is likely to be tolerated. This variant has not been reported in the literature in individuals affected with AMPD1-related conditions. This variant is not present in population databases (gnomAD no frequency). This sequence change replaces arginine, which is basic and polar, with lysine, which is basic and polar, at codon 4 of the AMPD1 protein (p.Arg4Lys).